The following is an entry in ClinVar:

ClinVar aggregate classification (germline): Benign. Review status: criteria provided, multiple submitters, no conflicts (2 of 4 stars). 3 submissions from 3 submitters: Benign (2). 1 of the submissions does not count toward it. Last evaluated 2026-02-01.

Conditions:
TIMMDC1-related disorder. Also called: TIMMDC1-related condition.

Allele frequency attached by ClinVar (database versions not stated): gnomAD exomes 0.03876 and 0.06384; TOPMed 0.16683; 1000 Genomes Project 30x 0.19441; ExAC 0.07363; gnomAD 0.15747 and 0.15145; 1000 Genomes Project 0.18630; ESP Exome Variant Server 0.16969.
gnomAD v4.1: 80,830 of 1,613,510 alleles (5%); highest among the groups gnomAD compares: African/African-American, 47%; 9,567 homozygotes.

Submissions (3):

Labcorp Genetics (formerly Invitae), Labcorp
Classification: Benign. Last evaluated: 2026-02-01. Review status: criteria provided, single submitter. Criteria: Invitae Variant Classification Sherloc (09022015). Collection method: clinical testing. Allele origin: germline.

Breakthrough Genomics
Classification: Benign. Review status: criteria provided, single submitter. Criteria: ACMG Guidelines, 2015. Collection method: not provided. Allele origin: germline. Inheritance: Autosomal recessive inheritance. Affected: yes.

PreventionGenetics, part of Exact Sciences
Classification: Benign for TIMMDC1-related condition. Last evaluated: 2019-11-06. Review status: no assertion criteria provided. Collection method: clinical testing. Allele origin: germline. Not counted in ClinVar's aggregate classification.
Comment: This variant is classified as benign based on ACMG/AMP sequence variant interpretation guidelines (Richards et al. 2015 PMID: 25741868, with internal and published modifications).

NM_016589.4(TIMMDC1):c.226A>G (p.Asn76Asp)

Gene: TIMMDC1 (translocase of inner mitochondrial membrane domain containing 1; plus strand). Cytogenetic location: 3q13.33.
Variant type: single nucleotide variant.
Coding change: c.226A>G on transcript NM_016589.4 (MANE Select); coding-DNA position 226, A replaced by G.
Protein change: p.Asn76Asp; replaces asparagine 76 with aspartic acid.
Molecular consequence: missense variant.
Genome position (GRCh38, 1-based): chr3:119,500,726, A>G. VCF-style: chr3-119500726-A-G. GRCh37 (hg19) VCF-style: chr3-119219573-A-G.
Other names: c.226A>G (NM_016589.3); short protein forms N76D.
Identifiers: ClinVar variation 1542422 (VCV001542422.11), dbSNP rs11539377, ClinGen allele CA2555172.